The following is an entry in ClinVar:

NM_004817.4(TJP2):c.440A>G (p.Asp147Gly)

Gene: TJP2 (tight junction protein 2; plus strand). Cytogenetic location: 9q21.11.
Variant type: single nucleotide variant.
Coding change: c.440A>G on transcript NM_004817.4 (MANE Select); coding-DNA position 440, A replaced by G.
Protein change: p.Asp147Gly; replaces aspartic acid 147 with glycine.
Molecular consequence: missense variant.
Genome position (GRCh38, 1-based): chr9:69,220,984, A>G. VCF-style: chr9-69220984-A-G. GRCh37 (hg19) VCF-style: chr9-71835900-A-G.
Other names: c.371A>G, p.Asp124Gly (NM_001170414.2, NM_001369870.1, NM_001369871.1); c.452A>G, p.Asp151Gly (NM_001170415.1, NM_001369874.1, NM_001369875.1); c.533A>G, p.Asp178Gly (NM_001170416.2); c.440A>G, p.Asp147Gly (NM_001369872.1, NM_001369873.1, NM_201629.3); short protein forms D124G, D147G, D151G, D178G.
Identifiers: ClinVar variation 1311750 (VCV001311750.2), dbSNP rs751419583, ClinGen allele CA5073011.

ClinVar aggregate classification (germline): Uncertain significance (1 of 4 stars; one submission).

Allele frequency attached by ClinVar (database versions not stated): ExAC 0.00001; gnomAD exomes below 0.00001.

Submission:

GeneDx
Classification: Uncertain significance. Last evaluated: 2020-01-02. Review status: criteria provided, single submitter. Criteria: GeneDx Variant Classification Process June 2021. Collection method: clinical testing. Allele origin: germline. Affected: yes.
Comment: Not observed at a significant frequency in large population cohorts (Lek et al., 2016); In silico analysis, which includes protein predictors and evolutionary conservation, supports a deleterious effect; Has not been previously published as pathogenic or benign to our knowledge